The following is an entry in ClinVar:

NM_138694.4(PKHD1):c.5690_5691delinsT (p.Pro1897fs)

Gene: PKHD1 (PKHD1 ciliary IPT domain containing fibrocystin/polyductin; minus strand). Cytogenetic location: 6p12.2.
Variant type: Indel.
Coding change: c.5690_5691delinsT on transcript NM_138694.4 (MANE Select); coding-DNA positions 5690 to 5691, CC replaced by T.
Protein change: p.Pro1897fs; shifts the reading frame from proline 1897.
Molecular consequence: frameshift variant.
Genome position (GRCh38, 1-based): chr6:52,010,369-52,010,370, GG replaced by A on the plus strand (CC replaced by T on the coding strand, the reverse complement: PKHD1 is on the minus strand). VCF-style: chr6-52010369-GG-A. GRCh37 (hg19) VCF-style: chr6-51875167-GG-A.
Other names: c.5690_5691delinsT, p.Pro1897fs (NM_170724.3); short protein forms P1897fs.
Identifiers: ClinVar variation 5016288 (VCV005016288.1).
Genomic context (GRCh38, chr6:52,010,369, plus strand): 5'-CTGAGTGTTCTGGCCCCAGCGTTTCCGTATCTCAGTAATCTTGACGGTAATTGGCTGATT[GG>A]GCGTCTCACACTCCATCTCTGCCTCAGTTTCCATGGTAATGTTACAGGAGCTATTATAGA-3'

ClinVar aggregate classification (germline): Pathogenic (1 of 4 stars; one submission).

Conditions:
Polycystic kidney disease 4 (PKD4). Also called: PKD3; Autosomal Recessive Polycystic Kidney Disease – PKHD1; POLYCYSTIC KIDNEY AND HEPATIC DISEASE 1; POLYCYSTIC KIDNEY DISEASE, INFANTILE, TYPE I; POLYCYSTIC KIDNEY DISEASE 4 WITH OR WITHOUT POLYCYSTIC LIVER DISEASE. Identifiers: MedGen C4540575, MONDO:0033004, OMIM 263200.

Submission:

Myriad Genetics, Inc.
Classification: Pathogenic for Polycystic kidney disease 4. Last evaluated: 2026-08-28. Review status: criteria provided, single submitter. Criteria: Myriad Autosomal Dominant, Autosomal Recessive and X-Linked Classification Criteria (2023). Collection method: clinical testing. Allele origin: unknown.
Comment: NM_138694.3(PKHD1):c.5690_5691delCCinsT(P1897Lfs*77) is expected to be pathogenic in the context of autosomal recessive polycystic kidney disease, PKHD1-related. This variant is predicted to lead to an abnormal or absent protein product due to the creation of a premature termination codon in PKHD1, a gene where loss-of-function variants are known to be pathogenic. Please note: this variant was assessed in the context of healthy population screening.